The following is an entry in ClinVar:

ClinVar aggregate classification (germline): Likely pathogenic (1 of 4 stars; one submission).

gnomAD v4.1: 8 of 1,527,846 alleles (0.00052%); highest among the groups gnomAD compares: Non-Finnish European, 0.00071%; no homozygotes.

Submission:

CeGaT Center for Human Genetics Tuebingen
Classification: Likely pathogenic. Last evaluated: 2025-03-01. Review status: criteria provided, single submitter. Criteria: CeGaT Center For Human Genetics Tuebingen Variant Classification Criteria Version 2. Collection method: clinical testing. Allele origin: germline. Affected: yes. Observed: 1 variant allele.
Comment: DYNC2LI1: PVS1:Strong, PM2

NM_016008.4(DYNC2LI1):c.9-2A>G

Gene: DYNC2LI1 (dynein cytoplasmic 2 light intermediate chain 1; plus strand). Cytogenetic location: 2p21.
Variant type: single nucleotide variant.
Coding change: c.9-2A>G on transcript NM_016008.4 (MANE Select); the canonical splice acceptor site of the intron before coding-DNA position 9, A replaced by G.
Molecular consequence: splice acceptor variant.
Genome position (GRCh38, 1-based): chr2:43,776,780, A>G. VCF-style: chr2-43776780-A-G. GRCh37 (hg19) VCF-style: chr2-44003919-A-G.
Other names: c.9-2A>G (NM_001348913.2, NM_001348912.2, NM_001193464.2 and 1 more transcripts).
Identifiers: ClinVar variation 3777991 (VCV003777991.7).